The following is an entry in ClinVar:

ClinVar aggregate classification (germline): Likely benign (1 of 4 stars; one submission).

gnomAD v4.1: 10 of 1,597,000 alleles (0.00063%); highest among the groups gnomAD compares: African/African-American, 0.0013%; no homozygotes.

Submission:

CeGaT Center for Human Genetics Tuebingen
Classification: Likely benign. Last evaluated: 2026-01-01. Review status: criteria provided, single submitter. Criteria: CeGaT Center For Human Genetics Tuebingen Variant Classification Criteria Version 2. Collection method: clinical testing. Allele origin: germline. Affected: yes. Observed: 1 variant allele.
Comment: GET4: BP4, BP7

NM_015949.3(GET4):c.234G>A (p.Gln78=)

Gene: GET4 (guided entry of tail-anchored proteins factor 4; plus strand). Cytogenetic location: 7p22.3.
Variant type: single nucleotide variant.
Coding change: c.234G>A on transcript NM_015949.3 (MANE Select); coding-DNA position 234, G replaced by A.
Protein change: p.Gln78=; no amino-acid change (glutamine 78 retained).
Molecular consequence: synonymous variant.
Genome position (GRCh38, 1-based): chr7:886,134, G>A. VCF-style: chr7-886134-G-A. GRCh37 (hg19) VCF-style: chr7-925771-G-A.
Identifiers: ClinVar variation 4822520 (VCV004822520.4).